The following is an entry in ClinVar:

ClinVar aggregate classification (germline): Uncertain significance (1 of 4 stars; one submission).

Conditions:
POLD1-related polyposis and colorectal cancer syndrome (CRCS10). Also called: Colorectal cancer 10; COLORECTAL CANCER, SUSCEPTIBILITY TO, ON CHROMOSOME 19q; Colorectal cancer, susceptibility to, 10. Identifiers: Orphanet 220460, MedGen C2675481, MONDO:0012953, OMIM 612591.

Submission:

Labcorp Genetics (formerly Invitae), Labcorp
Classification: Uncertain significance for POLD1-related polyposis and colorectal cancer syndrome. Last evaluated: 2022-07-23. Review status: criteria provided, single submitter. Criteria: Invitae Variant Classification Sherloc (09022015). Collection method: clinical testing. Allele origin: germline.
Comment: This variant is not present in population databases (gnomAD no frequency). This sequence change replaces lysine, which is basic and polar, with threonine, which is neutral and polar, at codon 4 of the POLD1 protein (p.Lys4Thr). This variant has not been reported in the literature in individuals affected with POLD1-related conditions. In summary, the available evidence is currently insufficient to determine the role of this variant in disease. Therefore, it has been classified as a Variant of Uncertain Significance. Algorithms developed to predict the effect of missense changes on protein structure and function are either unavailable or do not agree on the potential impact of this missense change (SIFT: "Deleterious"; PolyPhen-2: "Not Available"; Align-GVGD: "Class C0"). ClinVar contains an entry for this variant (Variation ID: 1478506).

NM_002691.4(POLD1):c.11A>C (p.Lys4Thr)

Gene: POLD1 (DNA polymerase delta 1, catalytic subunit; plus strand). Cytogenetic location: 19q13.33.
Variant type: single nucleotide variant.
Coding change: c.11A>C on transcript NM_002691.4 (MANE Select); coding-DNA position 11, A replaced by C.
Protein change: p.Lys4Thr; replaces lysine 4 with threonine.
Molecular consequence: missense variant. On other transcripts: non-coding transcript variant (1).
Genome position (GRCh38, 1-based): chr19:50,398,862, A>C. VCF-style: chr19-50398862-A-C. GRCh37 (hg19) VCF-style: chr19-50902119-A-C.
Other names: c.11A>C, p.Lys4Thr (NM_001256849.1, NM_001308632.1); short protein forms K4T.
Identifiers: ClinVar variation 1478506 (VCV001478506.6), dbSNP rs2122193607, ClinGen allele CA406969974.